The following is an entry in ClinVar:

ClinVar aggregate classification (germline): Conflicting classifications of pathogenicity. Review status: criteria provided, conflicting classifications (1 of 4 stars). 3 submissions from 3 submitters: Uncertain significance (2); Likely benign (1). Last evaluated 2025-01-27.

Allele frequency attached by ClinVar (database versions not stated): ExAC 0.00038; gnomAD exomes 0.00057; ESP Exome Variant Server 0.00077.
gnomAD v4.1: 1,474 of 1,613,428 alleles (0.091%); highest among the groups gnomAD compares: Admixed American, 0.22%; 5 homozygotes.

Submissions (3):

Women's Health and Genetics/Laboratory Corporation of America, LabCorp
Classification: Likely benign. Last evaluated: 2025-01-27. Review status: criteria provided, single submitter. Criteria: LabCorp Variant Classification Summary - May 2015. Collection method: clinical testing. Allele origin: germline.
Comment: Variant summary: CLCF1 c.392G>A (p.Arg131His) results in a non-conservative amino acid change located in the plethodontid receptivity factor PRF/cardiotrophin-like domain (IPR010681) of the encoded protein sequence. Four of five in-silico tools predict a benign effect of the variant on protein function. The variant allele was found at a frequency of 0.00091 in 1613428 control chromosomes, predominantly at a frequency of 0.0022 within the Latino subpopulation in the gnomAD database, including 1 homozygote. The observed variant frequency within Latino control individuals in the gnomAD database is approximately 1.97 fold of the estimated maximal expected allele frequency for a pathogenic variant in CLCF1 causing Cold-induced sweating syndrome 2 phenotype (0.0011). To our knowledge, no occurrence of c.392G>A in individuals affected with Cold-induced sweating syndrome 2 and no experimental evidence demonstrating its impact on protein function have been reported. ClinVar contains an entry for this variant (Variation ID: 1694057). Based on the evidence outlined above, the variant was classified as likely benign.

Ambry Genetics
Classification: Uncertain significance. Last evaluated: 2022-06-29. Review status: criteria provided, single submitter. Criteria: Ambry Variant Classification Scheme 2023. Collection method: clinical testing. Allele origin: germline.

Mayo Clinic Laboratories, Mayo Clinic
Classification: Uncertain significance. Last evaluated: 2021-11-03. Review status: criteria provided, single submitter. Criteria: ACMG Guidelines, 2015. Collection method: clinical testing. Allele origin: germline.

NM_013246.3(CLCF1):c.392G>A (p.Arg131His)

Genes: CLCF1 (cardiotrophin like cytokine factor 1; minus strand), LOC100130987 (uncharacterized LOC100130987; plus strand). Cytogenetic location: 11q13.2.
Variant type: single nucleotide variant.
Coding change: c.392G>A on transcript NM_013246.3 (MANE Select); coding-DNA position 392, G replaced by A.
Protein change: p.Arg131His; replaces arginine 131 with histidine.
Molecular consequence: missense variant.
Genome position (GRCh38, 1-based): chr11:67,365,422, C>T on the plus strand (G>A on the coding strand, the complement: CLCF1 is on the minus strand). VCF-style: chr11-67365422-C-T. GRCh37 (hg19) VCF-style: chr11-67132893-C-T.
Other names: p.Arg131His; c.362G>A, p.Arg121His (NM_001166212.2); short protein forms R121H, R131H.
Identifiers: ClinVar variation 1694057 (VCV001694057.9), dbSNP rs34057094, ClinGen allele CA6136112.